The following is an entry in ClinVar:

ClinVar aggregate classification (germline): Uncertain significance (1 of 4 stars; one submission).

Allele frequency attached by ClinVar (database versions not stated): gnomAD exomes 0.00002; gnomAD 0.00003; ExAC 0.00005; TOPMed 0.00005; ESP Exome Variant Server 0.00025.

Submission:

GeneDx
Classification: Uncertain significance. Last evaluated: 2022-04-26. Review status: criteria provided, single submitter. Criteria: GeneDx Variant Classification Process June 2021. Collection method: clinical testing. Allele origin: germline. Affected: yes.
Comment: Not observed at significant frequency in large population cohorts (gnomAD); In silico analysis supports that this missense variant does not alter protein structure/function; Has not been previously published as pathogenic or benign to our knowledge

NM_001039141.3(TRIOBP):c.646C>T (p.Arg216Trp)

Gene: TRIOBP (TRIO and F-actin binding protein; plus strand). Cytogenetic location: 22q13.1.
Variant type: single nucleotide variant.
Coding change: c.646C>T on transcript NM_001039141.3 (MANE Select); coding-DNA position 646, C replaced by T.
Protein change: p.Arg216Trp; replaces arginine 216 with tryptophan.
Molecular consequence: missense variant.
Genome position (GRCh38, 1-based): chr22:37,723,202, C>T. VCF-style: chr22-37723202-C-T. GRCh37 (hg19) VCF-style: chr22-38119209-C-T.
Other names: short protein forms R216W.
Identifiers: ClinVar variation 1712721 (VCV001712721.2), dbSNP rs376243226, ClinGen allele CA10223419.